The following is an entry in ClinVar:

NM_152564.5(VPS13B):c.8097+1G>A

Gene: VPS13B (vacuolar protein sorting 13 homolog B; plus strand). Cytogenetic location: 8q22.2.
Variant type: single nucleotide variant.
Coding change: c.8097+1G>A on transcript NM_152564.5 (MANE Select); the canonical splice donor site of the intron after coding-DNA position 8097, G replaced by A.
Molecular consequence: splice donor variant.
Genome position (GRCh38, 1-based): chr8:99,809,531, G>A. VCF-style: chr8-99809531-G-A. GRCh37 (hg19) VCF-style: chr8-100821759-G-A.
Other names: c.8172+1G>A (NM_017890.5).
Identifiers: ClinVar variation 951577 (VCV000951577.8), dbSNP rs1813590716, ClinGen allele CA371770407.

ClinVar aggregate classification (germline): Likely pathogenic (1 of 4 stars; one submission).

Conditions:
Cohen syndrome (COH1). Also called: PEPPER SYNDROME; Cutis verticis gyrata, retinitis pigmentosa, and sensorineural deafness. Identifiers: Orphanet 193, MedGen C0265223, MONDO:0008999, OMIM 216550.

Allele frequency attached by ClinVar (database versions not stated): gnomAD 0.00001.
gnomAD v4.1: 2 of 1,613,800 alleles (0.00012%); highest among the groups gnomAD compares: Admixed American, 0.0017%; no homozygotes.

Submission:

Labcorp Genetics (formerly Invitae), Labcorp
Classification: Likely pathogenic for Cohen syndrome. Last evaluated: 2025-03-10. Review status: criteria provided, single submitter. Criteria: Invitae Variant Classification Sherloc (09022015). Collection method: clinical testing. Allele origin: germline.
Comment: This sequence change affects a donor splice site in intron 44 of the VPS13B gene. It is expected to disrupt RNA splicing. Variants that disrupt the donor or acceptor splice site typically lead to a loss of protein function (PMID: 16199547), and loss-of-function variants in VPS13B are known to be pathogenic (PMID: 15141358, 16648375, 20461111). This variant is not present in population databases (gnomAD no frequency). This variant has not been reported in the literature in individuals affected with VPS13B-related conditions. ClinVar contains an entry for this variant (Variation ID: 951577). Algorithms developed to predict the effect of sequence changes on RNA splicing suggest that this variant may disrupt the consensus splice site. In summary, the currently available evidence indicates that the variant is pathogenic, but additional data are needed to prove that conclusively. Therefore, this variant has been classified as Likely Pathogenic.

Literature cited by the submitters: PubMed 16199547; PubMed 15141358; PubMed 16648375; PubMed 20461111.